The following is an entry in ClinVar:

ClinVar aggregate classification (germline): Uncertain significance (1 of 4 stars; one submission).

Conditions:
Familial cancer of breast. Also called: Hereditary breast cancer; BREAST CANCER, FAMILIAL; hereditary breast carcinoma. Identifiers: Orphanet 227535, MedGen C0346153, MONDO:0016419, OMIM 114480. Disease mechanism: loss of function.

Submission:

Labcorp Genetics (formerly Invitae), Labcorp
Classification: Uncertain significance for Familial cancer of breast. Last evaluated: 2020-08-08. Review status: criteria provided, single submitter. Criteria: Invitae Variant Classification Sherloc (09022015). Collection method: clinical testing. Allele origin: germline.
Comment: This sequence change replaces aspartic acid with glutamic acid at codon 94 of the BARD1 protein (p.Asp94Glu). The aspartic acid residue is highly conserved and there is a small physicochemical difference between aspartic acid and glutamic acid. This variant is not present in population databases (ExAC no frequency). This variant has not been reported in the literature in individuals with BARD1-related conditions. Algorithms developed to predict the effect of missense changes on protein structure and function (SIFT, PolyPhen-2, Align-GVGD) all suggest that this variant is likely to be disruptive, but these predictions have not been confirmed by published functional studies and their clinical significance is uncertain. In summary, the available evidence is currently insufficient to determine the role of this variant in disease. Therefore, it has been classified as a Variant of Uncertain Significance.

NM_000465.4(BARD1):c.282C>G (p.Asp94Glu)

Gene: BARD1 (BRCA1 associated RING domain 1; minus strand). Cytogenetic location: 2q35.
Variant type: single nucleotide variant.
Coding change: c.282C>G on transcript NM_000465.4 (MANE Select); coding-DNA position 282, C replaced by G.
Protein change: p.Asp94Glu; replaces aspartic acid 94 with glutamic acid.
Molecular consequence: missense variant. On other transcripts: non-coding transcript variant (1), intron variant (2).
Genome position (GRCh38, 1-based): chr2:214,792,379, G>C on the plus strand (C>G on the coding strand, the complement: BARD1 is on the minus strand). VCF-style: chr2-214792379-G-C. GRCh37 (hg19) VCF-style: chr2-215657103-G-C.
Other names: c.225C>G, p.Asp75Glu (NM_001282543.2); c.282C>G, p.Asp94Glu (NM_001282549.2); c.158+17033C>G (NM_001282548.2); c.215+4682C>G (NM_001282545.2); short protein forms D75E, D94E.
Identifiers: ClinVar variation 1021019 (VCV001021019.9), dbSNP rs1695561998, ClinGen allele CA350461073.
Genomic context (GRCh38, chr2:214,792,379, plus strand): 5'-CAAATTTCGAAGCTTACTACAAAGTTGAATCATGCTGTCCAGTTGTCTATTTATCTTCAA[G>C]TCTTGTATCCAGGCCGGGGTGTAACACACTGGACATCCAGTTCCAATGCAGTCACTTACA-3'
Protein context (NP_000456.2, residues 84-104): PVCYTPAWIQ[Asp94Glu]LKINRQLDSM